The following is an entry in ClinVar:

NM_182493.3(MYLK3):c.1960A>G (p.Ile654Val)

Gene: MYLK3 (myosin light chain kinase 3; minus strand). Cytogenetic location: 16q11.2.
Variant type: single nucleotide variant.
Coding change: c.1960A>G on transcript NM_182493.3 (MANE Select); coding-DNA position 1960, A replaced by G.
Protein change: p.Ile654Val; replaces isoleucine 654 with valine.
Molecular consequence: missense variant.
Genome position (GRCh38, 1-based): chr16:46,721,148, T>C on the plus strand (A>G on the coding strand, the complement: MYLK3 is on the minus strand). VCF-style: chr16-46721148-T-C. GRCh37 (hg19) VCF-style: chr16-46755060-T-C.
Other names: p.Ile654Val; c.937A>G, p.Ile313Val (NM_001308301.1); short protein forms I313V, I654V.
Identifiers: ClinVar variation 1668055 (VCV001668055.11), dbSNP rs145986736, ClinGen allele CA8037783.

ClinVar aggregate classification (germline): Benign/Likely benign. Review status: criteria provided, multiple submitters, no conflicts (2 of 4 stars). 3 submissions from 3 submitters: Benign (1); Likely benign (2). Last evaluated 2026-01-28.

Allele frequency attached by ClinVar (database versions not stated): 1000 Genomes Project 0.00200; 1000 Genomes Project 30x 0.00203; gnomAD 0.00282 and 0.00283; TOPMed 0.00357; ESP Exome Variant Server 0.00361.
gnomAD v4.1: 5,624 of 1,614,138 alleles (0.35%); highest among the groups gnomAD compares: Middle Eastern, 0.82%; 16 homozygotes.

Submissions (6):

Labcorp Genetics (formerly Invitae), Labcorp
Classification: Likely benign. Last evaluated: 2026-01-28. Review status: criteria provided, single submitter. Criteria: Invitae Variant Classification Sherloc (09022015). Collection method: clinical testing. Allele origin: germline.

Mayo Clinic Laboratories, Mayo Clinic
Classification: Benign. Last evaluated: 2025-08-21. Review status: criteria provided, single submitter. Criteria: ACMG Guidelines, 2015. Collection method: clinical testing. Allele origin: germline. Observed: 5 variant alleles.
Comment: BS1, BS2, BP4

Breakthrough Genomics
Classification: Likely benign. Review status: criteria provided, single submitter. Criteria: ACMG Guidelines, 2015. Collection method: not provided. Allele origin: germline. Inheritance: Unknown mechanism. Affected: yes.

Dr. Peter K. Rogan Lab, Western University
No classification provided (evidence only). Condition: Melanoma. Review status: no classification provided. Collection method: in vitro. Allele origin: not applicable. Functional consequence: retained intron. Not counted in ClinVar's aggregate classification.

Dr. Peter K. Rogan Lab, Western University
No classification provided (evidence only). Condition: Acute myeloid leukemia. Review status: no classification provided. Collection method: in vitro. Allele origin: not applicable. Functional consequence: retained intron. Not counted in ClinVar's aggregate classification.

Dr. Peter K. Rogan Lab, Western University
No classification provided (evidence only). Condition: Uterine carcinosarcoma. Review status: no classification provided. Collection method: in vitro. Allele origin: not applicable. Functional consequence: retained intron. Not counted in ClinVar's aggregate classification.